The following is an entry in ClinVar:

ClinVar aggregate classification (germline): Benign/Likely benign. Review status: criteria provided, multiple submitters, no conflicts (2 of 4 stars). 4 submissions from 4 submitters: Benign (1); Likely benign (3). Last evaluated 2026-01-14.

Conditions:
Hereditary cancer-predisposing syndrome. Also called: Hereditary neoplastic syndrome; Hereditary Cancer Syndrome; Tumor predisposition; Neoplastic Syndromes, Hereditary. Identifiers: Orphanet 140162, MedGen C0027672, MeSH D009386, MONDO:0015356.
Oligodontia-cancer predisposition syndrome. Also called: TOOTH AGENESIS-COLORECTAL CANCER SYNDROME. Identifiers: Orphanet 300576, MedGen C1837750, MONDO:0012075, OMIM 608615. Disease mechanism: loss of function.

Allele frequency attached by ClinVar (database versions not stated): TOPMed 0.00001; gnomAD exomes 0.00002.
gnomAD v4.1: 3 of 1,584,914 alleles (0.00019%); highest among the groups gnomAD compares: Admixed American, 0.0054%; no homozygotes.

Submissions (4):

Labcorp Genetics (formerly Invitae), Labcorp
Classification: Likely benign for Oligodontia-cancer predisposition syndrome. Last evaluated: 2026-01-14. Review status: criteria provided, single submitter. Criteria: Invitae Variant Classification Sherloc (09022015). Collection method: clinical testing. Allele origin: germline.

Quest Diagnostics Nichols Institute San Juan Capistrano
Classification: Likely benign. Last evaluated: 2025-08-05. Review status: criteria provided, single submitter. Criteria: Quest Diagnostics criteria. Collection method: clinical testing. Allele origin: unknown.

Myriad Genetics, Inc.
Classification: Benign for Oligodontia-cancer predisposition syndrome. Last evaluated: 2024-07-02. Review status: criteria provided, single submitter. Criteria: Myriad Autosomal Dominant, Autosomal Recessive and X-Linked Classification Criteria (2023). Collection method: clinical testing. Allele origin: unknown.
Comment: This variant is considered benign. This variant is a silent/synonymous amino acid change and it is not expected to impact splicing.

Ambry Genetics
Classification: Likely benign for Hereditary cancer-predisposing syndrome. Last evaluated: 2021-08-13. Review status: criteria provided, single submitter. Criteria: Ambry Variant Classification Scheme 2023. Collection method: clinical testing. Allele origin: germline.

NM_004655.4(AXIN2):c.1272C>G (p.Ser424=)

Gene: AXIN2 (axin 2; minus strand). Cytogenetic location: 17q24.1.
Variant type: single nucleotide variant.
Coding change: c.1272C>G on transcript NM_004655.4 (MANE Select); coding-DNA position 1272, C replaced by G.
Protein change: p.Ser424=; no amino-acid change (serine 424 retained).
Molecular consequence: synonymous variant.
Genome position (GRCh38, 1-based): chr17:65,537,764, G>C on the plus strand (C>G on the coding strand, the complement: AXIN2 is on the minus strand). VCF-style: chr17-65537764-G-C. GRCh37 (hg19) VCF-style: chr17-63533882-G-C.
Other names: c.1272C>G, p.Ser424= (NM_001363813.1).
Identifiers: ClinVar variation 1135621 (VCV001135621.14), dbSNP rs768259872, ClinGen allele CA293098451.
Genomic context (GRCh38, chr17:65,537,764, plus strand): 5'-GGACAGGTGATCGTCCAGTATCGTCTGCGGGTCTTCCTCGTAGCTGCCGGAGGGCAGTAG[G>C]GAGAGGGGGTGCTGCGTGGGCGCCCCCTCCCGCGAATTGAGTGTGAGCTCGGAGCCCTCT-3'
Protein context (NP_004646.3, residues 414-434): REGAPTQHPL[Ser424=]LLPSGSYEED